The following is an entry in ClinVar:

NR_002196.3(H19):n.496G>A

Genes: H19 (H19 imprinted maternally expressed transcript; minus strand), MRPL23 (mitochondrial ribosomal protein L23; plus strand). Cytogenetic location: 11p15.5.
Variant type: single nucleotide variant.
Molecular consequence: non-coding transcript variant (on NR_002196.3). On other transcripts: intron variant (1).
Genome position: GRCh38 VCF-style: chr11-1997347-C-T. GRCh37 (hg19) VCF-style: chr11-2018577-C-T.
Other names: c.498-14194C>T (NM_001400176.1).
Identifiers: ClinVar variation 4990489 (VCV004990489.1).

ClinVar aggregate classification (germline): Likely benign (1 of 4 stars; one submission).

Conditions:
H19-related disorder. Also called: H19-related condition.

Submission:

PreventionGenetics, part of Exact Sciences
Classification: Likely benign for H19-related condition. Last evaluated: 2025-03-26. Review status: criteria provided, single submitter. Criteria: ACMG Guidelines, 2015. Collection method: clinical testing. Allele origin: germline.
Comment: This variant is classified as likely benign based on ACMG/AMP sequence variant interpretation guidelines (Richards et al. 2015 PMID: 25741868, with internal and published modifications).